The following is an entry in ClinVar:

NM_003482.4(KMT2D):c.2470T>C (p.Leu824=)

Gene: KMT2D (lysine methyltransferase 2D; minus strand). Cytogenetic location: 12q13.12.
Variant type: single nucleotide variant.
Coding change: c.2470T>C on transcript NM_003482.4 (MANE Select); coding-DNA position 2470, T replaced by C.
Protein change: p.Leu824=; no amino-acid change (leucine 824 retained).
Molecular consequence: synonymous variant.
Genome position (GRCh38, 1-based): chr12:49,051,213, A>G on the plus strand (T>C on the coding strand, the complement: KMT2D is on the minus strand). VCF-style: chr12-49051213-A-G. GRCh37 (hg19) VCF-style: chr12-49444996-A-G.
Identifiers: ClinVar variation 3665435 (VCV003665435.3).

ClinVar aggregate classification (germline): Benign/Likely benign. Review status: criteria provided, multiple submitters, no conflicts (2 of 4 stars). 2 submissions from 2 submitters: Benign (1); Likely benign (1). Last evaluated 2026-01-24.

Conditions:
KMT2D-related disorder. Also called: KMT2D-Related Disorders.
Kabuki syndrome. Also called: Kabuki make-up syndrome; NIIKAWA-KUROKI SYNDROME. Identifiers: Orphanet 2322, MedGen C0796004, MONDO:0016512.

Submissions (2):

Labcorp Genetics (formerly Invitae), Labcorp
Classification: Benign for Kabuki syndrome. Last evaluated: 2026-01-24. Review status: criteria provided, single submitter. Criteria: Invitae Variant Classification Sherloc (09022015). Collection method: clinical testing. Allele origin: germline.

PreventionGenetics, part of Exact Sciences
Classification: Likely benign for KMT2D-related condition. Last evaluated: 2024-11-19. Review status: criteria provided, single submitter. Criteria: ACMG Guidelines, 2015. Collection method: clinical testing. Allele origin: germline.
Comment: This variant is classified as likely benign based on ACMG/AMP sequence variant interpretation guidelines (Richards et al. 2015 PMID: 25741868, with internal and published modifications).